The following is an entry in ClinVar:

NM_000059.4(BRCA2):c.7007+2T>A

Gene: BRCA2 (BRCA2 DNA repair associated; plus strand). Cytogenetic location: 13q13.1.
Variant type: single nucleotide variant.
Coding change: c.7007+2T>A on transcript NM_000059.4 (MANE Select); the canonical splice donor site of the intron after coding-DNA position 7007, T replaced by A.
Molecular consequence: splice donor variant.
Genome position (GRCh38, 1-based): chr13:32,346,898, T>A. VCF-style: chr13-32346898-T-A. GRCh37 (hg19) VCF-style: chr13-32921035-T-A.
Other names: c.7007+2T>A (NM_001406720.1); c.6911+2T>A (NM_001406719.1); c.2075+2T>A (NM_001406721.1); c.590+2T>A (NM_001406722.1).
Identifiers: ClinVar variation 267669 (VCV000267669.12), dbSNP rs886040937, ClinGen allele CA10602536.
Genomic context (GRCh38, chr13:32,346,898, plus strand): 5'-GATCGAAGATTGTTTATGCATCATGTTTCTTTAGAGCCGATTACCTGTGTACCCTTTCGG[T>A]AAGACATGTTTAAATTTTTCTAAATTCTAATACAGTATGAGAAAAGTCTCGTTTTTATAA-3'

ClinVar aggregate classification (germline): Pathogenic. Review status: criteria provided, multiple submitters, no conflicts (2 of 4 stars). 2 submissions from 2 submitters: Pathogenic (2). Last evaluated 2022-10-28.

Conditions:
Breast-ovarian cancer, familial, susceptibility to, 2 (BROVCA2). Also called: BRCA2 Hereditary Breast and Ovarian Cancer. Identifiers: Orphanet 145, MedGen C2675520, MONDO:0012933, OMIM 612555. Disease mechanism: loss of function.
Hereditary breast ovarian cancer syndrome. Also called: BRCA1- and BRCA2-Associated Hereditary Breast and Ovarian Cancer; Hereditary breast and ovarian cancer; Breast and ovarian cancer; Hereditary breast and/or ovarian cancer syndrome; Hereditary breast and ovarian cancer syndrome; Hereditary breast and ovarian cancer syndrome (HBOC). Identifiers: Orphanet 145, MedGen C0677776, MeSH D061325, MONDO:0003582. Disease mechanism: loss of function.

Submissions (2):

Labcorp Genetics (formerly Invitae), Labcorp
Classification: Pathogenic for Hereditary breast ovarian cancer syndrome. Last evaluated: 2022-10-28. Review status: criteria provided, single submitter. Criteria: Invitae Variant Classification Sherloc (09022015). Collection method: clinical testing. Allele origin: germline.
Comment: ClinVar contains an entry for this variant (Variation ID: 267669). For these reasons, this variant has been classified as Pathogenic. Studies have shown that disruption of this splice site results in skipping of exon 13 and/or exon 12 and introduces a premature termination codon (PMID: 21394826, 22505045). The resulting mRNA is expected to undergo nonsense-mediated decay. Based on a multifactorial likelihood algorithm using genetic, in silico, and/or statistical data, this variant has been determined to have a high probability of being pathogenic (PMID: 21990134). Disruption of this splice site has been observed in individual(s) with breast and/or ovarian cancer (PMID: 29446198). This variant is not present in population databases (gnomAD no frequency). This sequence change affects a donor splice site in intron 13 of the BRCA2 gene. RNA analysis indicates that disruption of this splice site induces altered splicing and may result in an absent or disrupted protein product.

Consortium of Investigators of Modifiers of BRCA1/2 (CIMBA), c/o University of Cambridge
Classification: Pathogenic for Breast-ovarian cancer, familial, susceptibility to, 2. Last evaluated: 2015-10-02. Review status: criteria provided, single submitter. Criteria: CIMBA Mutation Classification guidelines May 2016. Collection method: clinical testing. Allele origin: germline.

Literature cited by the submitters: PubMed 21394826 (cited by Labcorp Genetics (formerly Invitae), Labcorp); PubMed 22505045 (cited by Labcorp Genetics (formerly Invitae), Labcorp); PubMed 21990134 (cited by Labcorp Genetics (formerly Invitae), Labcorp); PubMed 29446198 (cited by Labcorp Genetics (formerly Invitae), Labcorp).